The following is an entry in ClinVar:

NM_001297.5(CNGB1):c.2304G>C (p.Lys768Asn)

Gene: CNGB1 (cyclic nucleotide gated channel subunit beta 1; minus strand). Cytogenetic location: 16q21.
Variant type: single nucleotide variant.
Coding change: c.2304G>C on transcript NM_001297.5 (MANE Select); coding-DNA position 2304, G replaced by C.
Protein change: p.Lys768Asn; replaces lysine 768 with asparagine.
Molecular consequence: missense variant.
Genome position (GRCh38, 1-based): chr16:57,915,249, C>G on the plus strand (G>C on the coding strand, the complement: CNGB1 is on the minus strand). VCF-style: chr16-57915249-C-G. GRCh37 (hg19) VCF-style: chr16-57949153-C-G.
Other names: c.2286G>C, p.Lys762Asn (NM_001286130.2); short protein forms K762N, K768N.
Identifiers: ClinVar variation 1297151 (VCV001297151.3), dbSNP rs1596974089, ClinGen allele CA396062688.
Genomic context (GRCh38, chr16:57,915,249, plus strand): 5'-AGTGTCGGTGCAGAGCAGGGATGAGCTGAAGGCCTGGGGTGGTGGGCCCAGCAGTCCTAC[C>G]TTTAAACAGCGGGGCAGGCGGAGGAGGGGGTTCACACCGACTTTCAAATAGAGAAAATCC-3'
Protein context (NP_001288.3, residues 758-778): NPLLRLPRCL[Lys768Asn]YMAFFEFNSR

ClinVar aggregate classification (germline): Uncertain significance. Review status: criteria provided, multiple submitters, no conflicts (2 of 4 stars). 2 submissions from 2 submitters: Uncertain significance (2). Last evaluated 2021-04-01.

Conditions:
Retinitis pigmentosa (RP). Identifiers: Orphanet 791, MedGen C0035334, MeSH D012174, MONDO:0019200, OMIM 268000. Inheritance: Autosomal dominant, autosomal recessive and X linked inheritance.

Submissions (2):

Broad Center for Mendelian Genomics, Broad Institute of MIT and Harvard
Classification: Uncertain significance for Retinitis pigmentosa. Last evaluated: 2021-04-01. Review status: criteria provided, single submitter. Criteria: ACMG Guidelines, 2015. Collection method: curation. Allele origin: germline. Inheritance: Autosomal recessive inheritance. Affected: yes.
Comment: Through a review of available evidence we were able to apply the following criteria: PM2, PM3-P. Based on this evidence we have classified this variant as a Variant of Uncertain Significance. If you have any questions about the classification please reach out to the Pierce Lab.

Blueprint Genetics
Classification: Uncertain significance. Last evaluated: 2019-09-15. Review status: criteria provided, single submitter. Criteria: ACMG Guidelines, 2015. Collection method: clinical testing. Allele origin: germline.

Literature cited by the submitters: PubMed 34906470 (cited by Broad Center for Mendelian Genomics, Broad Institute of MIT and Harvard).